The following is an entry in ClinVar:

ClinVar aggregate classification (germline): Uncertain significance (0 of 4 stars; one submission).

Conditions:
Thrombophilia due to protein S deficiency, autosomal dominant (THPH5). Identifiers: Orphanet 26349, Orphanet 743, MedGen C3278211, MONDO:0012868, OMIM 612336. Disease mechanism: loss of function.

gnomAD v4.1: 483 of 1,612,706 alleles (0.03%); highest among the groups gnomAD compares: Non-Finnish European, 0.04%; no homozygotes.

Submission:

Department of Transfusion Medicine and Hemostaseology, University Hospital Erlangen
Classification: Uncertain significance for Thrombophilia due to protein S deficiency, autosomal dominant. Last evaluated: 2025-09-01. Review status: no assertion criteria provided. Collection method: clinical testing. Allele origin: germline.
Comment: This variant was identified during a screening of patients with suspected hereditary Protein S deficiency. It has been described in the literature as associated with protein S deficiency (PMID: 24014240), but has not been characterized in vitro. According to dbSNP it represents a very rare genetic alteration, previously detected in the European population in heterozygous state only according to the Allele Frequency Aggregator dataset. While PolyPhen-2 and SIFT classify this variant as likely pathogenic, it is classified as likely benign by AlphaMissense. Taken together, we classified this variant as of uncertain significance.

Literature cited by the submitters: PubMed 24014240.

NM_000313.4(PROS1):c.814G>A (p.Gly272Arg)

Gene: PROS1 (protein S; minus strand). Cytogenetic location: 3q11.1.
Variant type: single nucleotide variant.
Coding change: c.814G>A on transcript NM_000313.4 (MANE Select); coding-DNA position 814, G replaced by A.
Protein change: p.Gly272Arg; replaces glycine 272 with arginine.
Molecular consequence: missense variant.
Genome position (GRCh38, 1-based): chr3:93,898,483, C>T on the plus strand (G>A on the coding strand, the complement: PROS1 is on the minus strand). VCF-style: chr3-93898483-C-T. GRCh37 (hg19) VCF-style: chr3-93617327-C-T.
Other names: c.910G>A, p.Gly304Arg (NM_001314077.2); short protein forms G272R, G304R.
Identifiers: ClinVar variation 4529449 (VCV004529449.1).